The following is an entry in ClinVar:

ClinVar aggregate classification (germline): Uncertain significance. Review status: criteria provided, multiple submitters, no conflicts (2 of 4 stars). 2 submissions from 2 submitters: Uncertain significance (2). Last evaluated 2026-01-26.

Conditions:
Hereditary cancer-predisposing syndrome. Also called: Hereditary Cancer Syndrome; Hereditary neoplastic syndrome; Neoplastic Syndromes, Hereditary; Tumor predisposition. Identifiers: Orphanet 140162, MedGen C0027672, MeSH D009386, MONDO:0015356.

Submissions (2):

Labcorp Genetics (formerly Invitae), Labcorp
Classification: Uncertain significance. Last evaluated: 2026-01-26. Review status: criteria provided, single submitter. Criteria: Invitae Variant Classification Sherloc (09022015). Collection method: clinical testing. Allele origin: germline.
Comment: This sequence change replaces asparagine, which is neutral and polar, with tyrosine, which is neutral and polar, at codon 345 of the MSH3 protein (p.Asn345Tyr). This variant is not present in population databases (gnomAD no frequency). This variant has not been reported in the literature in individuals affected with MSH3-related conditions. ClinVar contains an entry for this variant (Variation ID: 1771808). An algorithm developed to predict the effect of missense changes on protein structure and function (PolyPhen-2) suggests that this variant is likely to be tolerated. Algorithms developed to predict the effect of sequence changes on RNA splicing suggest that this variant may create or strengthen a splice site. In summary, the available evidence is currently insufficient to determine the role of this variant in disease. Therefore, it has been classified as a Variant of Uncertain Significance.

Ambry Genetics
Classification: Uncertain significance for Hereditary cancer-predisposing syndrome. Last evaluated: 2020-03-09. Review status: criteria provided, single submitter. Criteria: Ambry Variant Classification Scheme 2023. Collection method: clinical testing. Allele origin: germline.
Comment: The p.N345Y variant (also known as c.1033A>T), located in coding exon 7 of the MSH3 gene, results from an A to T substitution at nucleotide position 1033. The asparagine at codon 345 is replaced by tyrosine, an amino acid with dissimilar properties. This amino acid position is highly conserved in available vertebrate species. In addition, the in silico prediction for this alteration is inconclusive. Since supporting evidence is limited at this time, the clinical significance of this alteration remains unclear.

NM_002439.5(MSH3):c.1033A>T (p.Asn345Tyr)

Gene: MSH3 (mutS homolog 3; plus strand). Cytogenetic location: 5q14.1.
Variant type: single nucleotide variant.
Coding change: c.1033A>T on transcript NM_002439.5 (MANE Select); coding-DNA position 1033, A replaced by T.
Protein change: p.Asn345Tyr; replaces asparagine 345 with tyrosine.
Molecular consequence: missense variant.
Genome position (GRCh38, 1-based): chr5:80,674,988, A>T. VCF-style: chr5-80674988-A-T. GRCh37 (hg19) VCF-style: chr5-79970807-A-T.
Other names: short protein forms N345Y.
Identifiers: ClinVar variation 1771808 (VCV001771808.8), dbSNP rs2546724208, ClinGen allele CA360267832.